The following is an entry in ClinVar:

ClinVar aggregate classification (germline): Uncertain significance. Review status: criteria provided, multiple submitters, no conflicts (2 of 4 stars). 4 submissions from 4 submitters: Uncertain significance (4). Last evaluated 2026-03-05.

Conditions:
Ehlers-Danlos syndrome, classic type, 1 (EDSCL1). Also called: Ehlers-Danlos Syndrome, Classic Type, COL5A1-Related; EHLERS-DANLOS SYNDROME, GRAVIS TYPE; EHLERS-DANLOS SYNDROME, SEVERE CLASSIC TYPE; Ehlers-Danlos syndrome, type 1; EDS I. Identifiers: MedGen C0268335, MONDO:0019567, OMIM 130000.
Ehlers-Danlos syndrome, classic type, 2 (EDSCL2). Also called: Ehlers-Danlos Syndrome, Classic Type, COL5A2-Related; Ehlers-Danlos syndrome type 2 (formerly); Ehlers-Danlos syndrome, type 2. Identifiers: Orphanet 287, Orphanet 90318, MedGen C0268336, MONDO:0019568, OMIM 130010.

Allele frequency attached by ClinVar (database versions not stated): TOPMed 0.00001; gnomAD 0.00001; gnomAD exomes 0.00001 and below 0.00001.
gnomAD v4.1: 9 of 1,612,198 alleles (0.00056%); highest among the groups gnomAD compares: Non-Finnish European, 0.00068%; no homozygotes.

Submissions (4):

Women's Health and Genetics/Laboratory Corporation of America, LabCorp
Classification: Uncertain significance. Last evaluated: 2026-03-05. Review status: criteria provided, single submitter. Criteria: LabCorp Variant Classification Summary - May 2015. Collection method: clinical testing. Allele origin: germline.
Comment: Variant summary: COL5A2 c.1766C>T (p.Pro589Leu) results in a non-conservative amino acid change in the encoded protein sequence. Algorithms developed to predict the effect of missense changes on protein structure and function all suggest that this variant is likely to be disruptive. The variant allele was found at a frequency of 4e-06 in 250824 control chromosomes. The available data on variant occurrences in the general population are insufficient to allow any conclusion about variant significance. To our knowledge, no occurrence of c.1766C>T in individuals affected with COL5A2-related conditions and no experimental evidence demonstrating its impact on protein function have been reported. ClinVar contains an entry for this variant (Variation ID: 213147). Based on the evidence outlined above, the variant was classified as uncertain significance.

ARUP Laboratories, Molecular Genetics and Genomics, ARUP Laboratories
Classification: Uncertain significance for Ehlers-Danlos syndrome, classic type, 2. Last evaluated: 2025-07-10. Review status: criteria provided, single submitter. Criteria: ARUP Molecular Germline Variant Investigation Process 2024. Collection method: clinical testing. Allele origin: germline.
Comment: The COL5A2 c.1766C>T; p.Pro589Leu variant (rs863223505), to our knowledge, is not reported in the medical literature but is reported in ClinVar (Variation ID: 213147). This variant is only observed on one allele in the Genome Aggregation Database (v2.1.1), indicating it is not a common polymorphism. Computational analyses are uncertain whether this variant is neutral or deleterious (REVEL: 0.693). Due to limited information, the clinical significance of this variant is uncertain at this time.

GeneDx
Classification: Uncertain significance. Last evaluated: 2023-09-07. Review status: criteria provided, single submitter. Criteria: GeneDx Variant Classification Process June 2021. Collection method: clinical testing. Allele origin: germline. Affected: yes.
Comment: Has not been previously published as pathogenic or benign to our knowledge; Not observed at significant frequency in large population cohorts (gnomAD); In silico analysis supports that this missense variant has a deleterious effect on protein structure/function

Labcorp Genetics (formerly Invitae), Labcorp
Classification: Uncertain significance for Ehlers-Danlos syndrome, classic type, 1. Last evaluated: 2021-02-19. Review status: criteria provided, single submitter. Criteria: Invitae Variant Classification Sherloc (09022015). Collection method: clinical testing. Allele origin: germline.
Comment: In summary, the available evidence is currently insufficient to determine the role of this variant in disease. Therefore, it has been classified as a Variant of Uncertain Significance. Advanced modeling of protein sequence and biophysical properties (such as structural, functional, and spatial information, amino acid conservation, physicochemical variation, residue mobility, and thermodynamic stability) performed at Invitae indicates that this missense variant is not expected to disrupt COL5A2 protein function. This variant has not been reported in the literature in individuals with COL5A2-related conditions. ClinVar contains an entry for this variant (Variation ID: 213147). This variant is not present in population databases (ExAC no frequency). This sequence change replaces proline with leucine at codon 589 of the COL5A2 protein (p.Pro589Leu). The proline residue is highly conserved and there is a moderate physicochemical difference between proline and leucine.

NM_000393.5(COL5A2):c.1766C>T (p.Pro589Leu)

Gene: COL5A2 (collagen type V alpha 2 chain; minus strand). Cytogenetic location: 2q32.2.
Variant type: single nucleotide variant.
Coding change: c.1766C>T on transcript NM_000393.5 (MANE Select); coding-DNA position 1766, C replaced by T.
Protein change: p.Pro589Leu; replaces proline 589 with leucine.
Molecular consequence: missense variant.
Genome position (GRCh38, 1-based): chr2:189,063,984, G>A on the plus strand (C>T on the coding strand, the complement: COL5A2 is on the minus strand). VCF-style: chr2-189063984-G-A. GRCh37 (hg19) VCF-style: chr2-189928710-G-A.
Other names: p.P589L:CCT>CTT; short protein forms P589L.
Identifiers: ClinVar variation 213147 (VCV000213147.12), dbSNP rs863223505, ClinGen allele CA320369.